The following is an entry in ClinVar:

NM_000540.3(RYR1):c.3215G>A (p.Arg1072His)

Gene: RYR1 (ryanodine receptor 1; plus strand). Cytogenetic location: 19q13.2.
Variant type: single nucleotide variant.
Coding change: c.3215G>A on transcript NM_000540.3 (MANE Select); coding-DNA position 3215, G replaced by A.
Protein change: p.Arg1072His; replaces arginine 1072 with histidine.
Molecular consequence: missense variant.
Genome position (GRCh38, 1-based): chr19:38,467,646, G>A. VCF-style: chr19-38467646-G-A. GRCh37 (hg19) VCF-style: chr19-38958286-G-A.
Other names: c.3215G>A, p.Arg1072His (NM_001042723.2); short protein forms R1072H.
Identifiers: ClinVar variation 1005534 (VCV001005534.11), dbSNP rs757261781, ClinGen allele CA064541.

ClinVar aggregate classification (germline): Uncertain significance. Review status: criteria provided, multiple submitters, no conflicts (2 of 4 stars). 4 submissions from 4 submitters: Uncertain significance (4). Last evaluated 2025-03-10.

Conditions:
Congenital multicore myopathy with external ophthalmoplegia (CMYO1B). Also called: Minicore myopathy with external ophthalmoplegia; Congenital myopathy 1B, autosomal recessive; Minicore myopathy; MULTICORE MYOPATHY; MULTIMINICORE DISEASE WITH EXTERNAL OPHTHALMOPLEGIA. Identifiers: Orphanet 598, Orphanet 98905, MedGen C1850674, MONDO:0009712, OMIM 255320, HP:0003789.
Malignant hyperthermia, susceptibility to, 1 (MHS1). Also called: RYR1-Related Malignant Hyperthermia Susceptibility; Anesthesia related hyperthermia; Malignant hyperpyrexia; Fulminating hyperpyrexia; Pharmacogenic myopathy; Malignant hyperthermia suceptibility 1. Identifiers: Orphanet 423, MedGen C2930980, MONDO:0007783, OMIM 145600.
King Denborough syndrome (KDS). Identifiers: MedGen C1840365, MONDO:0020485, OMIM 619542.
Central core myopathy (CMYO1A). Also called: Central core disease; Myopathy, central fibrillar; CONGENITAL MYOPATHY 1A, AUTOSOMAL DOMINANT, WITH SUSCEPTIBILITY TO MALIGNANT HYPERTHERMIA. Identifiers: Orphanet 597, MedGen C5830701, MONDO:0007294, OMIM 117000.
Congenital myopathy with fiber type disproportion. Also called: Congenital fiber-type disproportion myopathy; Congenital fiber-type disproportion. Identifiers: Orphanet 2020, MedGen C0546264, MONDO:0009711. Inheritance: all.
RYR1-related disorder. Also called: RYR1-related disorders; RYR1-related condition. Identifiers: MedGen CN239331.

Allele frequency attached by ClinVar (database versions not stated): gnomAD 0.00001; gnomAD exomes 0.00001; TOPMed 0.00001; ExAC 0.00002.
gnomAD v4.1: 13 of 1,614,086 alleles (0.00081%); highest among the groups gnomAD compares: South Asian, 0.0011%; no homozygotes.

Submissions (4):

Labcorp Genetics (formerly Invitae), Labcorp
Classification: Uncertain significance for RYR1-related disorder. Last evaluated: 2025-03-10. Review status: criteria provided, single submitter. Criteria: Invitae Variant Classification Sherloc (09022015). Collection method: clinical testing. Allele origin: germline.
Comment: This sequence change replaces arginine, which is basic and polar, with histidine, which is basic and polar, at codon 1072 of the RYR1 protein (p.Arg1072His). This variant is present in population databases (rs757261781, gnomAD 0.004%). This variant has not been reported in the literature in individuals affected with RYR1-related conditions. ClinVar contains an entry for this variant (Variation ID: 1005534). Invitae Evidence Modeling of protein sequence and biophysical properties (such as structural, functional, and spatial information, amino acid conservation, physicochemical variation, residue mobility, and thermodynamic stability) indicates that this missense variant is expected to disrupt RYR1 protein function with a positive predictive value of 95%. In summary, the available evidence is currently insufficient to determine the role of this variant in disease. Therefore, it has been classified as a Variant of Uncertain Significance.

Genomic Medicine Center of Excellence, King Faisal Specialist Hospital and Research Centre
Classification: Uncertain significance for Central core myopathy. Last evaluated: 2024-12-19. Review status: criteria provided, single submitter. Criteria: ACMG Guidelines, 2015. Collection method: clinical testing. Allele origin: germline.

All of Us Research Program, National Institutes of Health
Classification: Uncertain significance for Malignant hyperthermia, susceptibility to, 1. Last evaluated: 2024-07-29. Review status: criteria provided, single submitter. Criteria: ACMG Guidelines, 2015. Collection method: clinical testing. Allele origin: germline. Inheritance: Autosomal dominant inheritance. Observed: 2 variant alleles, 2 heterozygotes.
Comment: This missense variant replaces arginine with histidine at codon 1072 of the RYR1 protein. Computational prediction suggests that this variant may have deleterious impact on protein structure and function (internally defined REVEL score threshold >= 0.7, PMID: 27666373). To our knowledge, functional studies have not been reported for this variant. This variant has not been reported in individuals affected with RYR1-related disorders in the literature. This variant has been identified in 2/251474 chromosomes in the general population by the Genome Aggregation Database (gnomAD). The available evidence is insufficient to determine the role of this variant in disease conclusively. Therefore, this variant is classified as a Variant of Uncertain Significance.

This study involves interpretation of variants in research participants for the purpose of population health screening. Participant phenotype was not available at the time of variant classification. Additional details can be found in publication PMID: 35346344, PMCID: PMC8962531

Fulgent Genetics
Classification: Uncertain significance for Central core myopathy; Malignant hyperthermia, susceptibility to, 1; Congenital myopathy 4A, autosomal dominant; Congenital multicore myopathy with external ophthalmoplegia; King Denborough syndrome. Last evaluated: 2021-10-18. Review status: criteria provided, single submitter. Criteria: ACMG Guidelines, 2015. Collection method: clinical testing. Allele origin: unknown.